The following is an entry in ClinVar:

ClinVar aggregate classification (germline): Uncertain significance. Review status: criteria provided, single submitter (1 of 4 stars). 2 submissions from 2 submitters: Uncertain significance (1). 1 of the submissions does not count toward it. Last evaluated 2024-05-09.

Conditions:
Bardet-Biedl syndrome 12 (BBS12). Identifiers: Orphanet 110, MedGen C1859570, MONDO:0014440, OMIM 615989.
BBS12-related disorder. Also called: BBS12-related condition.

gnomAD v4.1: 3 of 1,613,738 alleles (0.00019%); highest among the groups gnomAD compares: Non-Finnish European, 0.00025%; no homozygotes.

Submissions (2):

Fulgent Genetics
Classification: Uncertain significance for Bardet-Biedl syndrome 12. Last evaluated: 2024-05-09. Review status: criteria provided, single submitter. Criteria: ACMG Guidelines, 2015. Collection method: clinical testing. Allele origin: germline.

PreventionGenetics, part of Exact Sciences
Classification: Uncertain significance for BBS12-related condition. Last evaluated: 2024-03-06. Review status: no assertion criteria provided. Collection method: clinical testing. Allele origin: germline. Not counted in ClinVar's aggregate classification.
Comment: The BBS12 c.333A>G variant is predicted to result in the amino acid substitution p.Ile111Met. To our knowledge, this variant has not been reported in the literature or in a large population database, indicating this variant is rare. At this time, the clinical significance of this variant is uncertain due to the absence of conclusive functional and genetic evidence.

NM_152618.3(BBS12):c.333A>G (p.Ile111Met)

Gene: BBS12 (Bardet-Biedl syndrome 12; plus strand). Cytogenetic location: 4q27.
Variant type: single nucleotide variant.
Coding change: c.333A>G on transcript NM_152618.3 (MANE Select); coding-DNA position 333, A replaced by G.
Protein change: p.Ile111Met; replaces isoleucine 111 with methionine.
Molecular consequence: missense variant.
Genome position (GRCh38, 1-based): chr4:122,742,225, A>G. VCF-style: chr4-122742225-A-G. GRCh37 (hg19) VCF-style: chr4-123663380-A-G.
Other names: c.333A>G, p.Ile111Met (NM_001178007.2); short protein forms I111M.
Identifiers: ClinVar variation 3348155 (VCV003348155.2).